The following is an entry in ClinVar:

NM_001388419.1(KALRN):c.6422C>G (p.Ser2141Cys)

Gene: KALRN (kalirin RhoGEF kinase; plus strand). Cytogenetic location: 3q21.2.
Variant type: single nucleotide variant.
Coding change: c.6422C>G on transcript NM_001388419.1 (MANE Select); coding-DNA position 6422, C replaced by G.
Protein change: p.Ser2141Cys; replaces serine 2141 with cysteine.
Molecular consequence: missense variant.
Genome position (GRCh38, 1-based): chr3:124,666,525, C>G. VCF-style: chr3-124666525-C-G. GRCh37 (hg19) VCF-style: chr3-124385372-C-G.
Other names: NM_001388419.1:c.6422C>G; c.1229C>G, p.Ser410Cys (NM_001323001.2, NM_001322999.2); c.4496C>G, p.Ser1499Cys (NM_001388412.1); c.1328C>G, p.Ser443Cys (NM_007064.5, NM_001322993.2, NM_001322995.2 and 1 more transcripts); c.6419C>G, p.Ser2140Cys (NM_001024660.5); c.6416C>G, p.Ser2139Cys (NM_001322988.2); c.1355C>G, p.Ser452Cys (NM_001322994.2); c.1325C>G, p.Ser442Cys (NM_001322997.2); and 1 more; short protein forms S1499C, S2139C, S2140C, S2141C, S410C, S411C, S442C, S443C.
Identifiers: ClinVar variation 4819479 (VCV004819479.1).

ClinVar aggregate classification (germline): Uncertain significance (1 of 4 stars; one submission).

Conditions:
Neurodevelopmental disorder. Identifiers: MedGen C1535926, MeSH D065886, MONDO:0700092.

gnomAD v4.1: 4 of 1,614,000 alleles (0.00025%); highest among the groups gnomAD compares: African/African-American, 0.004%; no homozygotes.

Submission:

Broad Center for Mendelian Genomics, Broad Institute of MIT and Harvard
Classification: Uncertain significance for Neurodevelopmental disorder. Last evaluated: 2026-03-02. Review status: criteria provided, single submitter. Criteria: ACMG Guidelines, 2015. Collection method: research. Allele origin: germline. Inheritance: Autosomal recessive inheritance.
Comment: Trio exome analysis revealed that this variant was in trans with the other variant of uncertain significance. The p.Ser2141Cys variant in KALRN has not been previously reported in the literature in individuals with neurodevelopmental disorders, and was absent from large population studies. Computational prediction tools and conservation analyses do not provide strong support for or against an impact to the protein. The number of missense variants reported in KALRN in the general population is lower than expected, suggesting there is little benign variation in this gene and slightly increasing the possibility that a missense variant in this gene may not be tolerated. While variants in the KALRN gene have been reported in individuals with neurodevelopmental disorders, this association has not been definitively established. In summary, given the limited information about this gene-disease relationship, the significance of the p.Ser2141Cys variant is uncertain.